The following is an entry in ClinVar:

NM_017763.6(RNF43):c.1071C>T (p.Tyr357=)

Gene: RNF43 (ring finger protein 43; minus strand). Cytogenetic location: 17q22.
Variant type: single nucleotide variant.
Coding change: c.1071C>T on transcript NM_017763.6 (MANE Select); coding-DNA position 1071, C replaced by T.
Protein change: p.Tyr357=; no amino-acid change (tyrosine 357 retained).
Molecular consequence: synonymous variant.
Genome position (GRCh38, 1-based): chr17:58,358,705, G>A on the plus strand (C>T on the coding strand, the complement: RNF43 is on the minus strand). VCF-style: chr17-58358705-G-A. GRCh37 (hg19) VCF-style: chr17-56436066-G-A.
Other names: c.1071C>T, p.Tyr357= (NM_001305544.3); c.690C>T, p.Tyr230= (NM_001305545.2).
Identifiers: ClinVar variation 1109693 (VCV001109693.11), dbSNP rs1309261669, ClinGen allele CA501054034.

ClinVar aggregate classification (germline): Benign/Likely benign. Review status: criteria provided, multiple submitters, no conflicts (2 of 4 stars). 3 submissions from 3 submitters: Benign (1); Likely benign (2). Last evaluated 2026-07-01.

Conditions:
Sessile serrated polyposis cancer syndrome (SSPCS). Identifiers: Orphanet 157798, MedGen C4310714, MONDO:0014919, OMIM 617108.

Allele frequency attached by ClinVar (database versions not stated): TOPMed 0.00001; gnomAD 0.00001.

Submissions (3):

Myriad Genetics, Inc.
Classification: Benign for Sessile serrated polyposis cancer syndrome. Last evaluated: 2026-07-01. Review status: criteria provided, single submitter. Criteria: Myriad Autosomal Dominant, Autosomal Recessive and X-Linked Classification Criteria (2023). Collection method: clinical testing. Allele origin: unknown.
Comment: This variant is considered benign. This variant is a silent/synonymous amino acid change and it is not expected to impact splicing.

Labcorp Genetics (formerly Invitae), Labcorp
Classification: Likely benign. Last evaluated: 2025-07-21. Review status: criteria provided, single submitter. Criteria: Invitae Variant Classification Sherloc (09022015). Collection method: clinical testing. Allele origin: germline.

Ambry Genetics
Classification: Likely benign. Last evaluated: 2025-03-25. Review status: criteria provided, single submitter. Criteria: Ambry Variant Classification Scheme 2023. Collection method: clinical testing. Allele origin: germline.